The following is an entry in ClinVar:

NM_000455.5(STK11):c.457G>A (p.Ala153Thr)

Gene: STK11 (serine/threonine kinase 11; plus strand). Cytogenetic location: 19p13.3.
Variant type: single nucleotide variant.
Coding change: c.457G>A on transcript NM_000455.5 (MANE Select); coding-DNA position 457, G replaced by A.
Protein change: p.Ala153Thr; replaces alanine 153 with threonine.
Molecular consequence: missense variant. On other transcripts: non-coding transcript variant (1).
Genome position (GRCh38, 1-based): chr19:1,219,406, G>A. VCF-style: chr19-1219406-G-A. GRCh37 (hg19) VCF-style: chr19-1219405-G-A.
Other names: c.457G>A, p.Ala153Thr (NM_001407255.1); short protein forms A153T.
Identifiers: ClinVar variation 3450551 (VCV003450551.1).

ClinVar aggregate classification (germline): Uncertain significance (1 of 4 stars; one submission).

Conditions:
Hereditary cancer-predisposing syndrome. Also called: Tumor predisposition; Neoplastic Syndromes, Hereditary; Hereditary neoplastic syndrome; Hereditary Cancer Syndrome. Identifiers: Orphanet 140162, MedGen C0027672, MeSH D009386, MONDO:0015356.

Submission:

Ambry Genetics
Classification: Uncertain significance for Hereditary cancer-predisposing syndrome. Last evaluated: 2024-08-06. Review status: criteria provided, single submitter. Criteria: Ambry Variant Classification Scheme 2023. Collection method: clinical testing. Allele origin: germline.
Comment: The p.A153T variant (also known as c.457G>A), located in coding exon 3 of the STK11 gene, results from a G to A substitution at nucleotide position 457. The alanine at codon 153 is replaced by threonine, an amino acid with similar properties. This amino acid position is conserved. In addition, the in silico prediction for this alteration is inconclusive. Based on the available evidence, the clinical significance of this variant remains unclear.